The following is an entry in ClinVar:

NM_000236.3(LIPC):c.1464A>C (p.Glu488Asp)

Gene: LIPC (lipase C, hepatic type; plus strand). Cytogenetic location: 15q21.3.
Variant type: single nucleotide variant.
Coding change: c.1464A>C on transcript NM_000236.3 (MANE Select); coding-DNA position 1464, A replaced by C.
Protein change: p.Glu488Asp; replaces glutamic acid 488 with aspartic acid.
Molecular consequence: missense variant.
Genome position (GRCh38, 1-based): chr15:58,568,791, A>C. VCF-style: chr15-58568791-A-C. GRCh37 (hg19) VCF-style: chr15-58860990-A-C.
Other names: short protein forms E488D.
Identifiers: ClinVar variation 2490954 (VCV002490954.3), dbSNP rs2548797935, ClinGen allele CA392613617.
Genomic context (GRCh38, chr15:58,568,791, plus strand): 5'-AGAAAACACAGATGACCTACTACTTCGCCCAACCCAGGAAAAAATCTTCGTGAAATGTGA[A>C]ATAAAGTCTAAAACATCAAAGCGAAAGATCAGATGAGATTTAATGAAGACCCAGTGTAAA-3'
Protein context (NP_000227.2, residues 478-498): PTQEKIFVKC[Glu488Asp]IKSKTSKRKI

ClinVar aggregate classification (germline): Uncertain significance (1 of 4 stars; one submission).

Submission:

Ambry Genetics
Classification: Uncertain significance. Last evaluated: 2023-02-28. Review status: criteria provided, single submitter. Criteria: Ambry Variant Classification Scheme 2023. Collection method: clinical testing. Allele origin: germline.
Comment: Does not currently meet published gene-disease clinical validity criteria Based on insufficient or conflicting evidence, the clinical significance of this alteration remains unclear.

Literature cited by the submitters: PubMed 28106320.